The following is an entry in ClinVar:

NM_013339.4(ALG6):c.988-14dup

Gene: ALG6 (ALG6 alpha-1,3-glucosyltransferase; plus strand). Cytogenetic location: 1p31.3.
Variant type: Duplication.
Coding change: c.988-14dup on transcript NM_013339.4 (MANE Select); 14 bases into the intron before coding-DNA position 988, one base duplicated (C; older notation c.988-14dupC).
Molecular consequence: intron variant.
Genome position (GRCh38, 1-based): chr1:63,419,356, C duplicated; the last of 7 consecutive C bases (chr1:63,419,350-63,419,356); duplicating any one gives the same sequence. VCF-style (leftmost placement, unchanged base first): chr1-63419349-T-TC. GRCh37 (hg19) VCF-style: chr1-63885020-T-TC.
Other names: c.988-14dupC (NM_013339.3).
Identifiers: ClinVar variation 507808 (VCV000507808.1), dbSNP rs757939381, ClinGen allele CA888330.

ClinVar aggregate classification (germline): Likely benign (1 of 4 stars; one submission).

Submission:

GeneDx
Classification: Likely benign. Last evaluated: 2018-02-07. Review status: criteria provided, single submitter. Criteria: GeneDx Variant Classification (06012015). Collection method: clinical testing. Allele origin: germline. Affected: yes.
Comment: This variant is considered likely benign or benign based on one or more of the following criteria: it is a conservative change, it occurs at a poorly conserved position in the protein, it is predicted to be benign by multiple in silico algorithms, and/or has population frequency not consistent with disease.